The following is an entry in ClinVar:

NM_001042492.3(NF1):c.4174-1G>A

Gene: NF1 (neurofibromin 1; plus strand). Cytogenetic location: 17q11.2.
Variant type: single nucleotide variant.
Coding change: c.4174-1G>A on transcript NM_001042492.3 (MANE Select); the canonical splice acceptor site of the intron before coding-DNA position 4174, G replaced by A.
Molecular consequence: splice acceptor variant.
Genome position (GRCh38, 1-based): chr17:31,258,343, G>A. VCF-style: chr17-31258343-G-A. GRCh37 (hg19) VCF-style: chr17-29585361-G-A.
Other names: c.4111-1G>A (NM_000267.4).
Identifiers: ClinVar variation 527498 (VCV000527498.7), dbSNP rs1555618492, ClinGen allele CA398997472.

ClinVar aggregate classification (germline): Pathogenic (1 of 4 stars; one submission).

Conditions:
Neurofibromatosis, type 1 (NF1). Also called: VON RECKLINGHAUSEN DISEASE; NEUROFIBROMATOSIS, TYPE I, SOMATIC; Peripheral type neurofibromatosis; Neurofibromatosis, type I. Identifiers: Orphanet 636, MedGen C0027831, MONDO:0018975, OMIM 162200. Disease mechanism: loss of function.

Submissions (2):

Labcorp Genetics (formerly Invitae), Labcorp
Classification: Pathogenic for Neurofibromatosis, type 1. Last evaluated: 2025-06-02. Review status: criteria provided, single submitter. Criteria: Invitae Variant Classification Sherloc (09022015). Collection method: clinical testing. Allele origin: germline.
Comment: This sequence change affects an acceptor splice site in intron 30 of the NF1 gene. It is expected to disrupt RNA splicing. Variants that disrupt the donor or acceptor splice site typically lead to a loss of protein function (PMID: 16199547), and loss-of-function variants in NF1 are known to be pathogenic (PMID: 10712197, 23913538). This variant is not present in population databases (gnomAD no frequency). Disruption of this splice site has been observed in individual(s) with neurofibromatosis, type 1 (PMID: 16138229; internal data). ClinVar contains an entry for this variant (Variation ID: 527498). Algorithms developed to predict the effect of sequence changes on RNA splicing suggest that this variant may disrupt the consensus splice site. For these reasons, this variant has been classified as Pathogenic.

Dr. Peter K. Rogan Lab, Western University
No classification provided (evidence only). Condition: Melanoma. Review status: no classification provided. Collection method: in vitro. Allele origin: not applicable. Functional consequence: retained intron. Not counted in ClinVar's aggregate classification.

Literature cited by the submitters: PubMed 16199547 (cited by Labcorp Genetics (formerly Invitae), Labcorp); PubMed 10712197 (cited by Labcorp Genetics (formerly Invitae), Labcorp); PubMed 23913538 (cited by Labcorp Genetics (formerly Invitae), Labcorp); PubMed 16138229 (cited by Labcorp Genetics (formerly Invitae), Labcorp).